The following is an entry in ClinVar:

ClinVar aggregate classification (germline): Likely benign (1 of 4 stars; one submission).

Allele frequency attached by ClinVar (database versions not stated): gnomAD exomes 0.00150; gnomAD 0.01453; TOPMed 0.01559; 1000 Genomes Project 0.01817; 1000 Genomes Project 30x 0.01827.
gnomAD v4.1: 3,350 of 941,910 alleles (0.36%); highest among the groups gnomAD compares: African/African-American, 4.7%; 80 homozygotes.

Submission:

GeneDx
Classification: Likely benign. Last evaluated: 2020-09-16. Review status: criteria provided, single submitter. Criteria: GeneDx Variant Classification Process June 2021. Collection method: clinical testing. Allele origin: germline. Affected: yes.
Comment: See Variant Classification Assertion Criteria.

NM_001369.3(DNAH5):c.2431+136G>T

Genes: DNAH5 (dynein axonemal heavy chain 5; minus strand), DNAH5-AS1 (DNAH5 antisense RNA 1; plus strand). Cytogenetic location: 5p15.2.
Variant type: single nucleotide variant.
Coding change: c.2431+136G>T on transcript NM_001369.3 (MANE Select); 136 bases into the intron after coding-DNA position 2431, G replaced by T.
Molecular consequence: intron variant.
Genome position (GRCh38, 1-based): chr5:13,894,514, C>A on the plus strand (G>T on the coding strand, the complement: DNAH5 is on the minus strand). VCF-style: chr5-13894514-C-A. GRCh37 (hg19) VCF-style: chr5-13894623-C-A.
Identifiers: ClinVar variation 1678726 (VCV001678726.2), dbSNP rs16902905, ClinGen allele CA113939326.
Genomic context (GRCh38, chr5:13,894,514, plus strand): 5'-AATTAAATAGTGAATATTTATAGTTTCCAGGAAATTACTGAATTCGCATGTTTTGGAACA[C>A]TTCCTTATGAAACAGCTTAAGAATAACACTCCCCATTTCATTATTTATATCTCCATATTG-3'